The following is an entry in ClinVar:

ClinVar aggregate classification (germline): Likely benign. Review status: criteria provided, multiple submitters, no conflicts (2 of 4 stars). 5 submissions from 5 submitters: Likely benign (5). Last evaluated 2026-06-22.

Conditions:
Retinoblastoma (RB1). Also called: RETINOBLASTOMA, SOMATIC. Identifiers: Orphanet 790, MedGen C0035335, MeSH D012175, MONDO:0008380, OMIM 180200, HP:0009919. Disease mechanism: loss of function. Inheritance: Both sporadic and heritable forms are tested..

Allele frequency attached by ClinVar (database versions not stated): TOPMed 0.00002; gnomAD 0.00001.
gnomAD v4.1: 9 of 1,610,924 alleles (0.00056%); highest among the groups gnomAD compares: Non-Finnish European, 0.00076%; no homozygotes.

Submissions (5):

Myriad Genetics, Inc.
Classification: Likely benign for Retinoblastoma. Last evaluated: 2026-06-22. Review status: criteria provided, single submitter. Criteria: Myriad Autosomal Dominant, Autosomal Recessive and X-Linked Classification Criteria (2023). Collection method: clinical testing. Allele origin: unknown.
Comment: This variant is considered likely benign. This variant is intronic and is not expected to impact mRNA splicing.

Labcorp Genetics (formerly Invitae), Labcorp
Classification: Likely benign for Retinoblastoma. Last evaluated: 2025-10-14. Review status: criteria provided, single submitter. Criteria: Invitae Variant Classification Sherloc (09022015). Collection method: clinical testing. Allele origin: germline.

All of Us Research Program, National Institutes of Health
Classification: Likely benign for Retinoblastoma. Last evaluated: 2023-03-09. Review status: criteria provided, single submitter. Criteria: ACMG Guidelines, 2015. Collection method: clinical testing. Allele origin: germline. Inheritance: Autosomal dominant inheritance. Observed: 1 variant allele, 1 heterozygote.
Comment: This study involves interpretation of variants in research participants for the purpose of population health screening. Participant phenotype was not available at the time of variant classification. Additional details can be found in publication PMID: 35346344, PMCID: PMC8962531

Color Diagnostics, LLC DBA Color Health
Classification: Likely benign for Retinoblastoma. Last evaluated: 2022-05-12. Review status: criteria provided, single submitter. Criteria: ACMG Guidelines, 2015. Collection method: clinical testing. Allele origin: germline.

GeneDx
Classification: Likely benign. Last evaluated: 2018-05-11. Review status: criteria provided, single submitter. Criteria: GeneDx Variant Classification (06012015). Collection method: clinical testing. Allele origin: germline. Affected: yes.
Comment: This variant is considered likely benign or benign based on one or more of the following criteria: it is a conservative change, it occurs at a poorly conserved position in the protein, it is predicted to be benign by multiple in silico algorithms, and/or has population frequency not consistent with disease.

NM_000321.3(RB1):c.2714-10C>T

Gene: RB1 (RB transcriptional corepressor 1; plus strand). Cytogenetic location: 13q14.2.
Variant type: single nucleotide variant.
Coding change: c.2714-10C>T on transcript NM_000321.3 (MANE Select); 10 bases into the intron before coding-DNA position 2714, C replaced by T.
Molecular consequence: intron variant.
Genome position (GRCh38, 1-based): chr13:48,479,988, C>T. VCF-style: chr13-48479988-C-T. GRCh37 (hg19) VCF-style: chr13-49054124-C-T.
Identifiers: ClinVar variation 416502 (VCV000416502.13), dbSNP rs1060504825, ClinGen allele CA16614071.